The following is an entry in ClinVar:

NM_002227.4(JAK1):c.3005G>A (p.Arg1002Gln)

Gene: JAK1 (Janus kinase 1; minus strand). Cytogenetic location: 1p31.3.
Variant type: single nucleotide variant.
Coding change: c.3005G>A on transcript NM_002227.4 (MANE Select); coding-DNA position 3005, G replaced by A.
Protein change: p.Arg1002Gln; replaces arginine 1002 with glutamine.
Molecular consequence: missense variant.
Genome position (GRCh38, 1-based): chr1:64,838,067, C>T on the plus strand (G>A on the coding strand, the complement: JAK1 is on the minus strand). VCF-style: chr1-64838067-C-T. GRCh37 (hg19) VCF-style: chr1-65303750-C-T.
Other names: c.3005G>A, p.Arg1002Gln (NM_001321855.2, NM_001321856.2, NM_001320923.2 and 3 more transcripts); c.3002G>A, p.Arg1001Gln (NM_001321857.2); short protein forms R1002Q, R1001Q.
Identifiers: ClinVar variation 2734062 (VCV002734062.3), dbSNP rs1340186470, ClinGen allele CA340662783.

ClinVar aggregate classification (germline): Uncertain significance (1 of 4 stars; one submission).

Allele frequency attached by ClinVar (database versions not stated): gnomAD exomes below 0.00001.
gnomAD v4.1: 7 of 1,614,102 alleles (0.00043%); highest among the groups gnomAD compares: Admixed American, 0.0017%; no homozygotes.

Submission:

Labcorp Genetics (formerly Invitae), Labcorp
Classification: Uncertain significance. Last evaluated: 2023-06-30. Review status: criteria provided, single submitter. Criteria: Invitae Variant Classification Sherloc (09022015). Collection method: clinical testing. Allele origin: germline.
Comment: In summary, the available evidence is currently insufficient to determine the role of this variant in disease. Therefore, it has been classified as a Variant of Uncertain Significance. Advanced modeling of protein sequence and biophysical properties (such as structural, functional, and spatial information, amino acid conservation, physicochemical variation, residue mobility, and thermodynamic stability) performed at Invitae indicates that this missense variant is expected to disrupt JAK1 protein function. This variant has not been reported in the literature in individuals affected with JAK1-related conditions. This variant is present in population databases (no rsID available, gnomAD 0.003%). This sequence change replaces arginine, which is basic and polar, with glutamine, which is neutral and polar, at codon 1002 of the JAK1 protein (p.Arg1002Gln).